The following is an entry in ClinVar:

ClinVar aggregate classification (germline): Uncertain significance (1 of 4 stars; one submission).

Conditions:
Neuropathy, hereditary sensory and autonomic, type 2A (HSAN2A). Also called: ACROOSTEOLYSIS, GIACCAI TYPE; ACROOSTEOLYSIS, NEUROGENIC; MORVAN DISEASE; NEUROPATHY, CONGENITAL SENSORY; NEUROPATHY, HEREDITARY SENSORY RADICULAR, AUTOSOMAL RECESSIVE; NEUROPATHY, HEREDITARY SENSORY, TYPE IIA. Identifiers: Orphanet 970, MedGen C2752089, MONDO:0024309, OMIM 201300.
Generalized epilepsy with febrile seizures plus, type 7 (GEFSP7). Also called: GEFS+, TYPE 7. Identifiers: Orphanet 36387, MedGen C2751778, MONDO:0013470, OMIM 613863.

Allele frequency attached by ClinVar (database versions not stated): gnomAD exomes below 0.00001.
gnomAD v4.1: 1 of 1,610,290 alleles (0.000062%); highest among the groups gnomAD compares: Non-Finnish European, 0.000085%; no homozygotes.

Submission:

Labcorp Genetics (formerly Invitae), Labcorp
Classification: Uncertain significance for Neuropathy, hereditary sensory and autonomic, type 2A; Generalized epilepsy with febrile seizures plus, type 7. Last evaluated: 2017-08-10. Review status: criteria provided, single submitter. Criteria: Invitae Variant Classification Sherloc (09022015). Collection method: clinical testing. Allele origin: germline.
Comment: In summary, the available evidence is currently insufficient to determine the role of this variant in disease. Therefore, it has been classified as a Variant of Uncertain Significance. Algorithms developed to predict the effect of missense changes on protein structure and function do not agree on the potential impact of this missense change (SIFT: "Tolerated"; PolyPhen-2: "Possibly Damaging"; Align-GVGD: "Class C0"). This variant has not been reported in the literature in individuals with SCN9A-related disease. This variant is not present in population databases (ExAC no frequency). This sequence change replaces leucine with valine at codon 78 of the SCN9A protein (p.Leu78Val). The leucine residue is highly conserved and there is a small physicochemical difference between leucine and valine.

NM_001365536.1(SCN9A):c.232T>G (p.Leu78Val)

Gene: SCN9A (sodium voltage-gated channel alpha subunit 9; minus strand). Cytogenetic location: 2q24.3.
Variant type: single nucleotide variant.
Coding change: c.232T>G on transcript NM_001365536.1 (MANE Select); coding-DNA position 232, T replaced by G.
Protein change: p.Leu78Val; replaces leucine 78 with valine.
Molecular consequence: missense variant.
Genome position (GRCh38, 1-based): chr2:166,311,525, A>C on the plus strand (T>G on the coding strand, the complement: SCN9A is on the minus strand). VCF-style: chr2-166311525-A-C. GRCh37 (hg19) VCF-style: chr2-167168035-A-C.
Other names: c.232T>G, p.Leu78Val (NM_002977.4); short protein forms L78V.
Identifiers: ClinVar variation 538471 (VCV000538471.9), dbSNP rs1553497961, ClinGen allele CA349095822.